The following is an entry in ClinVar:

ClinVar aggregate classification (germline): Conflicting classifications of pathogenicity. Review status: criteria provided, conflicting classifications (1 of 4 stars). 9 submissions from 8 submitters: Uncertain significance (1); Benign (3); Likely benign (5). Last evaluated 2026-07-01.

Conditions:
Congenital myasthenic syndrome 11. Also called: Myasthenic syndrome, congenital, 11, associated with acetylcholine receptor deficiency; MYASTHENIC SYNDROME, CONGENITAL, Ie. Identifiers: Orphanet 590, MedGen C4225367, MONDO:0014588, OMIM 616326.
Fetal akinesia deformation sequence 1 (FADS1). Also called: Fetal akinesia sequence; Pena-Shokeir syndrome type I. Identifiers: Orphanet 994, MedGen C1276035, MONDO:0100101, OMIM 208150, HP:0001989.

Allele frequency attached by ClinVar (database versions not stated): 1000 Genomes Project 0.00200; 1000 Genomes Project 30x 0.00203; ExAC 0.00318; gnomAD 0.00332 and 0.00337; gnomAD exomes 0.00341 and 0.00429; TOPMed 0.00357; ESP Exome Variant Server 0.00362.
gnomAD v4.1: 6,851 of 1,612,718 alleles (0.42%); highest among the groups gnomAD compares: Non-Finnish European, 0.49%; 24 homozygotes.

Submissions (9):

CeGaT Center for Human Genetics Tuebingen
Classification: Likely benign. Last evaluated: 2026-07-01. Review status: criteria provided, single submitter. Criteria: CeGaT Center For Human Genetics Tuebingen Variant Classification Criteria Version 2. Collection method: clinical testing. Allele origin: germline. Affected: yes. Observed: 7 variant alleles.
Comment: RAPSN: BP4, BP7, BS2

Labcorp Genetics (formerly Invitae), Labcorp
Classification: Benign for Congenital myasthenic syndrome 11; Fetal akinesia deformation sequence 1. Last evaluated: 2026-02-01. Review status: criteria provided, single submitter. Criteria: Invitae Variant Classification Sherloc (09022015). Collection method: clinical testing. Allele origin: germline.

Blueprint Genetics
Classification: Likely benign. Last evaluated: 2024-11-26. Review status: criteria provided, single submitter. Criteria: ACMG Guidelines, 2015. Collection method: clinical testing. Allele origin: germline.

Mayo Clinic Laboratories, Mayo Clinic
Classification: Benign. Last evaluated: 2024-02-20. Review status: criteria provided, single submitter. Criteria: ACMG Guidelines, 2015. Collection method: clinical testing. Allele origin: germline. Observed: 5 variant alleles.
Comment: BS1, BS2, BP4, BP7

GeneDx
Classification: Likely benign. Last evaluated: 2021-02-07. Review status: criteria provided, single submitter. Criteria: GeneDx Variant Classification Process June 2021. Collection method: clinical testing. Allele origin: germline. Affected: yes.

Illumina Laboratory Services, Illumina
Classification: Uncertain significance for Congenital myasthenic syndrome 11. Last evaluated: 2018-01-13. Review status: criteria provided, single submitter. Criteria: ICSL Variant Classification Criteria 13 December 2019. Collection method: clinical testing. Allele origin: germline.

Illumina Laboratory Services, Illumina
Classification: Likely benign for Fetal akinesia deformation sequence 1. Last evaluated: 2018-01-13. Review status: criteria provided, single submitter. Criteria: ICSL Variant Classification Criteria 13 December 2019. Collection method: clinical testing. Allele origin: germline.
Comment: This variant was observed in the ICSL laboratory as part of a predisposition screen in an ostensibly healthy population. It had not been previously curated by ICSL or reported in the Human Gene Mutation Database (HGMD: prior to June 1st, 2018), and was therefore a candidate for classification through an automated scoring system. Utilizing variant allele frequency, disease prevalence and penetrance estimates, and inheritance mode, an automated score was calculated to assess if this variant is too frequent to cause the disease. Based on the score and internal cut-off values, a variant classified as likely benign is not then subjected to further curation. The score for this variant resulted in a classification of likely benign for this disease.

Genetic Services Laboratory, University of Chicago
Classification: Likely benign. Last evaluated: 2017-08-31. Review status: criteria provided, single submitter. Criteria: ACMG Guidelines, 2015. Collection method: clinical testing. Allele origin: germline. Affected: no.

PreventionGenetics, part of Exact Sciences
Classification: Benign. Review status: criteria provided, single submitter. Criteria: ACMG Guidelines, 2015. Collection method: clinical testing. Allele origin: germline.

NM_005055.5(RAPSN):c.162G>A (p.Ser54=)

Gene: RAPSN (receptor associated protein of the synapse; minus strand). Cytogenetic location: 11p11.2.
Variant type: single nucleotide variant.
Coding change: c.162G>A on transcript NM_005055.5 (MANE Select); coding-DNA position 162, G replaced by A.
Protein change: p.Ser54=; no amino-acid change (serine 54 retained).
Molecular consequence: synonymous variant.
Genome position (GRCh38, 1-based): chr11:47,448,803, C>T on the plus strand (G>A on the coding strand, the complement: RAPSN is on the minus strand). VCF-style: chr11-47448803-C-T. GRCh37 (hg19) VCF-style: chr11-47470355-C-T.
Other names: p.Ser54=; c.162G>A, p.Ser54= (NM_032645.5).
Identifiers: ClinVar variation 259625 (VCV000259625.36), dbSNP rs72905825, ClinGen allele CA5976819.